The following is an entry in ClinVar:

ClinVar aggregate classification (germline): Conflicting classifications of pathogenicity. Review status: criteria provided, conflicting classifications (1 of 4 stars). 4 submissions from 4 submitters: Uncertain significance (3); Likely benign (1). Last evaluated 2026-08-17.

Conditions:
Myosclerosis. Also called: MYOPATHY, MYOSCLEROTIC; MYOSCLEROSIS, CONGENITAL, OF LOWENTHAL; Myosclerosis, congenital. Identifiers: Orphanet 289380, MedGen C1850671, MONDO:0009714, OMIM 255600.
Ullrich congenital muscular dystrophy 1A. Also called: Ullrich congenital muscular dystrophy 1; Intermediate COL6-RD. Identifiers: Orphanet 75840, MedGen C0410179, MONDO:0009681, OMIM 254090.
Bethlem myopathy 1A. Also called: MYOPATHY, BENIGN CONGENITAL, WITH CONTRACTURES; Bethlem myopathy 1; Bethlem Muscular Dystrophy. Identifiers: Orphanet 610, MedGen CN029274, MONDO:0024530, OMIM 158810.
COL6A2-related disorder.

Allele frequency attached by ClinVar (database versions not stated): TOPMed 0.00005; ESP Exome Variant Server 0.00008.
gnomAD v4.1: 149 of 1,612,870 alleles (0.0092%); highest among the groups gnomAD compares: Non-Finnish European, 0.012%; no homozygotes.

Submissions (4):

PreventionGenetics, part of Exact Sciences
Classification: Uncertain significance for COL6A2-related condition. Last evaluated: 2026-08-17. Review status: criteria provided, single submitter. Criteria: ACMG Guidelines, 2015. Collection method: clinical testing. Allele origin: germline.
Comment: The COL6A2 c.2251G>A variant is predicted to result in the amino acid substitution p.Asp751Asn. To our knowledge, this variant has not been reported in the literature. This variant is reported in 0.0053% of alleles in individuals of European (Non-Finnish) descent in gnomAD. At this time, the clinical significance of this variant is uncertain due to the absence of conclusive functional and genetic evidence.

Labcorp Genetics (formerly Invitae), Labcorp
Classification: Likely benign for Bethlem myopathy 1A. Last evaluated: 2025-03-05. Review status: criteria provided, single submitter. Criteria: Invitae Variant Classification Sherloc (09022015). Collection method: clinical testing. Allele origin: germline.

Fulgent Genetics
Classification: Uncertain significance for Bethlem myopathy 1A; Ullrich congenital muscular dystrophy 1A; Myosclerosis. Last evaluated: 2018-10-31. Review status: criteria provided, single submitter. Criteria: ACMG Guidelines, 2015. Collection method: clinical testing. Allele origin: unknown.

Eurofins Ntd Llc (ga)
Classification: Uncertain significance. Last evaluated: 2016-06-07. Review status: criteria provided, single submitter. Criteria: EGL Classification Definitions 2015. Collection method: clinical testing. Allele origin: germline. Observed: 1 variant allele, 1 heterozygote.

NM_001849.4(COL6A2):c.2251G>A (p.Asp751Asn)

Gene: COL6A2 (collagen type VI alpha 2 chain; plus strand). Cytogenetic location: 21q22.3.
Variant type: single nucleotide variant.
Coding change: c.2251G>A on transcript NM_001849.4 (MANE Select); coding-DNA position 2251, G replaced by A.
Protein change: p.Asp751Asn; replaces aspartic acid 751 with asparagine.
Molecular consequence: missense variant.
Genome position (GRCh38, 1-based): chr21:46,126,066, G>A. VCF-style: chr21-46126066-G-A. GRCh37 (hg19) VCF-style: chr21-47545980-G-A.
Other names: c.2251G>A, p.Asp751Asn (NM_058174.3, NM_058175.3); short protein forms D751N.
Identifiers: ClinVar variation 288586 (VCV000288586.16), dbSNP rs375884809, ClinGen allele CA10072486.